The following is an entry in ClinVar:

ClinVar aggregate classification (germline): Uncertain significance. Review status: criteria provided, multiple submitters, no conflicts (2 of 4 stars). 3 submissions from 3 submitters: Uncertain significance (3). Last evaluated 2026-03-13.

Conditions:
Lymphangiomyomatosis (LAM). Also called: Lymphangioleiomyomatosis, somatic; Lymphangioleiomyomatosis. Identifiers: Orphanet 538, MedGen C0751674, MONDO:0011705, OMIM 606690.
Isolated focal cortical dysplasia type II (FCORD2). Also called: CORTICAL DYSPLASIA OF TAYLOR; Focal cortical dysplasia type II. Identifiers: Orphanet 268994, MedGen C1846385, MONDO:0011818, OMIM 607341, HP:0032051.
Tuberous sclerosis 2 (TSC2). Identifiers: Orphanet 805, MedGen C1860707, MONDO:0013199, OMIM 613254.
Hereditary cancer-predisposing syndrome. Also called: Tumor predisposition; Hereditary neoplastic syndrome; Hereditary Cancer Syndrome; Neoplastic Syndromes, Hereditary. Identifiers: Orphanet 140162, MedGen C0027672, MeSH D009386, MONDO:0015356.

Allele frequency attached by ClinVar (database versions not stated): gnomAD exomes below 0.00001.
gnomAD v4.1: 1 of 1,604,200 alleles (0.000062%); highest among the groups gnomAD compares: East Asian, 0.0022%; no homozygotes.

Submissions (3):

Ambry Genetics
Classification: Uncertain significance for Hereditary cancer-predisposing syndrome. Last evaluated: 2026-03-13. Review status: criteria provided, single submitter. Criteria: Ambry Variant Classification Scheme 2023. Collection method: clinical testing. Allele origin: germline.
Comment: The p.E1805G variant (also known as c.5414A>G), located in coding exon 41 of the TSC2 gene, results from an A to G substitution at nucleotide position 5414. The glutamic acid at codon 1805 is replaced by glycine, an amino acid with similar properties. This amino acid position is not well conserved in available vertebrate species. In addition, this alteration is predicted to be deleterious by in silico analysis. Based on the available evidence, the clinical significance of this variant remains unclear.

Fulgent Genetics
Classification: Uncertain significance for Lymphangiomyomatosis; Isolated focal cortical dysplasia type II; Tuberous sclerosis 2. Last evaluated: 2024-03-24. Review status: criteria provided, single submitter. Criteria: ACMG Guidelines, 2015. Collection method: clinical testing. Allele origin: germline.

Labcorp Genetics (formerly Invitae), Labcorp
Classification: Uncertain significance for Tuberous sclerosis 2. Last evaluated: 2023-12-15. Review status: criteria provided, single submitter. Criteria: Invitae Variant Classification Sherloc (09022015). Collection method: clinical testing. Allele origin: germline.
Comment: This sequence change replaces glutamic acid, which is acidic and polar, with glycine, which is neutral and non-polar, at codon 1805 of the TSC2 protein (p.Glu1805Gly). This variant is not present in population databases (gnomAD no frequency). This variant has not been reported in the literature in individuals affected with TSC2-related conditions. ClinVar contains an entry for this variant (Variation ID: 959264). Advanced modeling of protein sequence and biophysical properties (such as structural, functional, and spatial information, amino acid conservation, physicochemical variation, residue mobility, and thermodynamic stability) performed at Invitae indicates that this missense variant is not expected to disrupt TSC2 protein function with a negative predictive value of 95%. Algorithms developed to predict the effect of sequence changes on RNA splicing suggest that this variant may create or strengthen a splice site. In summary, the available evidence is currently insufficient to determine the role of this variant in disease. Therefore, it has been classified as a Variant of Uncertain Significance.

NM_000548.5(TSC2):c.5414A>G (p.Glu1805Gly)

Gene: TSC2 (TSC complex subunit 2; plus strand). Cytogenetic location: 16p13.3.
Variant type: single nucleotide variant.
Coding change: c.5414A>G on transcript NM_000548.5 (MANE Select); coding-DNA position 5414, A replaced by G.
Protein change: p.Glu1805Gly; replaces glutamic acid 1805 with glycine.
Molecular consequence: missense variant.
Genome position (GRCh38, 1-based): chr16:2,088,600, A>G. VCF-style: chr16-2088600-A-G. GRCh37 (hg19) VCF-style: chr16-2138601-A-G.
Other names: c.5213A>G, p.Glu1738Gly (NM_001077183.3); c.5345A>G, p.Glu1782Gly (NM_001114382.3); c.5105A>G, p.Glu1702Gly (NM_001318827.2); c.5069A>G, p.Glu1690Gly (NM_001318829.2); c.4682A>G, p.Glu1561Gly (NM_001318831.2); c.5246A>G, p.Glu1749Gly (NM_001318832.2); c.5216A>G, p.Glu1739Gly (NM_001363528.2); c.5282A>G, p.Glu1761Gly (NM_001370404.1); and 2 more; short protein forms E1561G, E1702G, E1749G, E1761G, E1762G, E1758G, E1690G, E1738G.
Identifiers: ClinVar variation 959264 (VCV000959264.11), dbSNP rs2091219993, ClinGen allele CA394316262.
Genomic context (GRCh38, chr16:2,088,600, plus strand): 5'-CACCTGGCTATGAGGTGGGCCAGCGGAAGCGCCTCATCTCCTCGGTGGAGGACTTCACCG[A>G]GTTTGTGTGAGGCCGGGGCCCTCCCTCCTGCACTGGCCTTGGACGGTATTGCCTGTCAGT-3'
Protein context (NP_000539.2, residues 1795-1807): RLISSVEDFT[Glu1805Gly]FV